The following continues an entry in ClinVar:

NM_007294.4(BRCA1):c.2214dup (p.Lys739Ter)

Gene: BRCA1. ClinVar aggregate classification (germline): Pathogenic. Pathogenic (1).

Submissions 12 to 20 of 20:

Genetics and Molecular Pathology, SA Pathology
Classification: Pathogenic for Breast-ovarian cancer, familial, susceptibility to, 1. Last evaluated: 2021-02-22. Review status: criteria provided, single submitter. Criteria: ACMG Guidelines, 2015. Collection method: clinical testing. Allele origin: germline. Affected: yes. Not counted in ClinVar's aggregate classification.

Women's Health and Genetics/Laboratory Corporation of America, LabCorp
Classification: Pathogenic for Hereditary breast ovarian cancer syndrome. Last evaluated: 2021-02-12. Review status: criteria provided, single submitter. Criteria: LabCorp Variant Classification Summary - May 2015. Collection method: clinical testing. Allele origin: germline. Not counted in ClinVar's aggregate classification.
Comment: Variant summary: BRCA1 c.2214dupT (p.Lys739X) results in a premature termination codon, predicted to cause a truncation of the encoded protein or absence of the protein due to nonsense mediated decay, which are commonly known mechanisms for disease. The variant was absent in 250926 control chromosomes (gnomAD). c.2214dupT has been reported in the literature in individuals affected breast and Ovarian Cancer (example: Mehta_2018, Rebbeck_2018, Judkins_2005). These data indicate that the variant is likely to be associated with disease. To our knowledge, no experimental evidence demonstrating an impact on protein function has been reported. Eight ClinVar submitters including an expert panel (ENIGMA) cite the variant as pathogenic. Based on the evidence outlined above, the variant was classified as pathogenic.

Molecular Diagnostics, Rajiv Gandhi Cancer Institute & Research Center
Classification: Pathogenic for Breast-ovarian cancer, familial, susceptibility to, 1. Last evaluated: 2017-12-13. Review status: criteria provided, single submitter. Criteria: ACMG Guidelines, 2015. Collection method: clinical testing. Allele origin: germline. Inheritance: Autosomal dominant inheritance. Affected: yes. Observed: 1 variant allele, 1 heterozygote. Not counted in ClinVar's aggregate classification.
Comment: Insertion of T introduces a new stop codon in exon 10 leading to a nonsense pathogenic alteration.

Department of Pathology and Laboratory Medicine, Sinai Health System
Classification: Pathogenic for Fanconi anemia, complementation group S. Last evaluated: 2017-09-08. Review status: criteria provided, single submitter. Criteria: ACMG Guidelines, 2015. Collection method: clinical testing. Allele origin: germline. Affected: yes. Not counted in ClinVar's aggregate classification.

Consortium of Investigators of Modifiers of BRCA1/2 (CIMBA), c/o University of Cambridge
Classification: Pathogenic for Breast-ovarian cancer, familial, susceptibility to, 1. Last evaluated: 2015-10-02. Review status: criteria provided, single submitter. Criteria: CIMBA Mutation Classification guidelines May 2016. Collection method: clinical testing. Allele origin: germline. Not counted in ClinVar's aggregate classification.

Department of Pathology and Laboratory Medicine, Sinai Health System
Classification: Pathogenic for Hereditary breast ovarian cancer syndrome. Last evaluated: 2015-03-30. Review status: criteria provided, single submitter. Criteria: ACMG Guidelines, 2015. Collection method: clinical testing. Allele origin: germline. Affected: yes. Study: The Canadian Open Genetics Repository (COGR). Not counted in ClinVar's aggregate classification.

Neuberg Centre For Genomic Medicine, NCGM
Classification: Pathogenic for Breast-ovarian cancer, familial, susceptibility to, 1. Review status: criteria provided, single submitter. Criteria: ACMG Guidelines, 2015. Collection method: clinical testing. Allele origin: germline. Inheritance: Autosomal dominant inheritance. Affected: yes. Not counted in ClinVar's aggregate classification.
Comment: The observed frameshift c.2214dup(p.Lys739Ter) variant in BRCA1 gene has been reported previously in heterozygous state in individual(s) affected with breast and/or ovarian cancer (Mannan et al., 2016). This variant is absent in gnomAD Exomes. This variant has been reported to the ClinVar database as Pathogenic by multiple submitters. This variant is predicted to cause loss of normal protein function through protein truncation. This sequence change creates a premature translational stop signal (p.Lys739*) in the BRCA1 gene. It is expected to result in an absent or disrupted protein product. Loss-of-function variants in BRCA1 are known to be pathogenic (Borg et al., 2010). For these reasons, this variant has been classified as Pathogenic.

Rady Children's Institute for Genomic Medicine, Rady Children's Hospital San Diego
Classification: Pathogenic for Hereditary Breast and Ovarian Cancer Syndrome. Review status: criteria provided, single submitter. Criteria: ACMG Guidelines, 2015. Collection method: clinical testing. Allele origin: germline. Affected: yes. Not counted in ClinVar's aggregate classification.
Comment: This frameshifting variant in exon 10 of 24 introduces a premature stop codon and is therefore predicted to result in loss of normal protein function through either protein truncation or nonsense-mediated mRNA decay (NMD). This variant has been previously reported in patients with breast and/or ovarian cancer (PMID: 26911350, 30555256). It is absent from the gnomAD population database and thus is presumed to be rare. Based on the available evidence, the c.2214dup (p.Lys739Ter) variant is classified as Pathogenic.

University Health Network, Familial Cancer Clinic, Princess Margaret Cancer Centre
Classification: Pathogenic for BRCA1-related cancer predisposition. Review status: criteria provided, single submitter. Criteria: ACMG Guidelines, 2015. Collection method: clinical testing. Allele origin: germline. Inheritance: Autosomal dominant inheritance. Affected: yes. Observed: 1 variant allele. Not counted in ClinVar's aggregate classification.

Literature cited by the submitters: PubMed 20104584 (cited by Labcorp Genetics (formerly Invitae), Labcorp); PubMed 26911350 (cited by 5 submitters); PubMed 27914478 (cited by Labcorp Genetics (formerly Invitae), Labcorp and Laboratory for Molecular Medicine, Mass General Brigham Personalized Medicine); PubMed 30555256 (cited by 5 submitters); PubMed 16267036 (cited by 3 submitters); PubMed 29470806 (cited by Quest Diagnostics Nichols Institute San Juan Capistrano and Laboratory for Molecular Medicine, Mass General Brigham Personalized Medicine); PubMed 29446198 (cited by Laboratory for Molecular Medicine, Mass General Brigham Personalized Medicine and Women's Health and Genetics/Laboratory Corporation of America, LabCorp).